The following is an entry in ClinVar:

ClinVar aggregate classification (germline): Benign/Likely benign. Review status: criteria provided, multiple submitters, no conflicts (2 of 4 stars). 7 submissions from 6 submitters: Benign (3); Likely benign (4). Last evaluated 2026-01-28.

Conditions:
Bardet-Biedl syndrome 6 (BBS6). Identifiers: Orphanet 110, MedGen C1858054, MONDO:0011523, OMIM 605231.
McKusick-Kaufman syndrome (MKKS). Also called: HYDROMETROCOLPOS SYNDROME; HYDROMETROCOLPOS, POSTAXIAL POLYDACTYLY, AND CONGENITAL HEART MALFORMATION. Identifiers: Orphanet 2473, MedGen C0948368, MONDO:0009367, OMIM 236700.
Bardet-Biedl syndrome (BBS). Identifiers: Orphanet 110, MedGen C0752166, MONDO:0015229.

Allele frequency attached by ClinVar (database versions not stated): gnomAD exomes 0.00019 and 0.00084; gnomAD 0.00031 and 0.00040; TOPMed 0.00049; ExAC 0.00087; 1000 Genomes Project 0.00140; 1000 Genomes Project 30x 0.00141.
gnomAD v4.1: 344 of 1,613,938 alleles (0.021%); highest among the groups gnomAD compares: East Asian, 0.65%; no homozygotes.

Submissions (7):

Labcorp Genetics (formerly Invitae), Labcorp
Classification: Benign for McKusick-Kaufman syndrome; Bardet-Biedl syndrome. Last evaluated: 2026-01-28. Review status: criteria provided, single submitter. Criteria: Invitae Variant Classification Sherloc (09022015). Collection method: clinical testing. Allele origin: germline.

Blueprint Genetics
Classification: Likely benign. Last evaluated: 2024-11-07. Review status: criteria provided, single submitter. Criteria: ACMG Guidelines, 2015. Collection method: clinical testing. Allele origin: germline.

Fulgent Genetics
Classification: Likely benign for McKusick-Kaufman syndrome; Bardet-Biedl syndrome 6. Last evaluated: 2021-08-04. Review status: criteria provided, single submitter. Criteria: ACMG Guidelines, 2015. Collection method: clinical testing. Allele origin: unknown.

Centre for Mendelian Genomics, University Medical Centre Ljubljana
Classification: Likely benign for Bardet-Biedl syndrome 6. Last evaluated: 2020-01-29. Review status: criteria provided, single submitter. Criteria: ACMG Guidelines, 2015. Collection method: clinical testing. Allele origin: unknown. Affected: yes.
Comment: This variant was classified as: Likely benign. The following ACMG criteria were applied in classifying this variant: PP2,PP3,BS1,BP6.

Illumina Laboratory Services, Illumina
Classification: Benign for McKusick-Kaufman syndrome. Last evaluated: 2017-04-28. Review status: criteria provided, single submitter. Criteria: ICSL Variant Classification Criteria 13 December 2019. Collection method: clinical testing. Allele origin: germline.
Comment: This variant was observed as part of a predisposition screen in an ostensibly healthy population. A literature search was performed for the gene, cDNA change, and amino acid change (where applicable). No publications were found based on this search. Allele frequency data from public databases was too high to be consistent with this variant causing disease. Therefore, this variant is classified as benign.

Illumina Laboratory Services, Illumina
Classification: Benign for Bardet-Biedl syndrome 6. Last evaluated: 2017-04-28. Review status: criteria provided, single submitter. Criteria: ICSL Variant Classification Criteria 13 December 2019. Collection method: clinical testing. Allele origin: germline.
Comment: This variant was observed as part of a predisposition screen in an ostensibly healthy population. A literature search was performed for the gene, cDNA change, and amino acid change (where applicable). Publications were found based on this search. The evidence from the literature, in combination with allele frequency data from public databases where available, was sufficient to rule this variant out of causing disease. Therefore, this variant is classified as benign.

Breakthrough Genomics
Classification: Likely benign. Review status: criteria provided, single submitter. Criteria: ACMG Guidelines, 2015. Collection method: not provided. Allele origin: germline. Inheritance: Autosomal recessive inheritance. Affected: yes.

Literature cited by the submitters: PubMed 27491411 (cited by Illumina Laboratory Services, Illumina).

NM_170784.3(MKKS):c.416G>A (p.Arg139Gln)

Gene: MKKS (MKKS centrosomal shuttling protein; minus strand). Cytogenetic location: 20p12.2.
Variant type: single nucleotide variant.
Coding change: c.416G>A on transcript NM_170784.3 (MANE Select); coding-DNA position 416, G replaced by A.
Protein change: p.Arg139Gln; replaces arginine 139 with glutamine.
Molecular consequence: missense variant.
Genome position (GRCh38, 1-based): chr20:10,413,099, C>T on the plus strand (G>A on the coding strand, the complement: MKKS is on the minus strand). VCF-style: chr20-10413099-C-T. GRCh37 (hg19) VCF-style: chr20-10393747-C-T.
Other names: c.416G>A, p.Arg139Gln (NM_018848.3); short protein forms R139Q.
Identifiers: ClinVar variation 463178 (VCV000463178.21), dbSNP rs145045986, ClinGen allele CA9763690.